The following is an entry in ClinVar:

NM_002890.3(RASA1):c.3007G>C (p.Val1003Leu)

Genes: CCNH (cyclin H; minus strand), RASA1 (RAS p21 protein activator 1; plus strand). Cytogenetic location: 5q14.3.
Variant type: single nucleotide variant.
Coding change: c.3007G>C on transcript NM_002890.3 (MANE Select); coding-DNA position 3007, G replaced by C.
Protein change: p.Val1003Leu; replaces valine 1003 with leucine.
Molecular consequence: missense variant. On other transcripts: intron variant (1).
Genome position (GRCh38, 1-based): chr5:87,389,474, G>C. VCF-style: chr5-87389474-G-C. GRCh37 (hg19) VCF-style: chr5-86685291-G-C.
Other names: c.2476G>C, p.Val826Leu (NM_022650.3); c.933+5570C>G (NM_001364075.2); short protein forms V1003L, V826L.
Identifiers: ClinVar variation 1351956 (VCV001351956.10), dbSNP rs758894954, ClinGen allele CA360388360.

ClinVar aggregate classification (germline): Uncertain significance. Review status: criteria provided, multiple submitters, no conflicts (2 of 4 stars). 2 submissions from 2 submitters: Uncertain significance (2). Last evaluated 2026-05-23.

Conditions:
Cardiovascular phenotype. Identifiers: MedGen CN230736.
Capillary malformation-arteriovenous malformation syndrome. Also called: Capillary malformation-arteriovenous malformation. Identifiers: Orphanet 137667, MedGen C1842180, MONDO:0012016.

gnomAD v4.1: 6 of 1,614,038 alleles (0.00037%); highest among the groups gnomAD compares: African/African-American, 0.0013%; no homozygotes.

Submissions (2):

Ambry Genetics
Classification: Uncertain significance for Cardiovascular phenotype. Last evaluated: 2026-05-23. Review status: criteria provided, single submitter. Criteria: Ambry Variant Classification Scheme 2023. Collection method: clinical testing. Allele origin: germline.
Comment: The p.V1003L variant (also known as c.3007G>C), located in coding exon 24 of the RASA1 gene, results from a G to C substitution at nucleotide position 3007. The valine at codon 1003 is replaced by leucine, an amino acid with highly similar properties. This amino acid position is conserved. In addition, this alteration is predicted to be tolerated by in silico analysis. Based on the available evidence, the clinical significance of this variant remains unclear.

Labcorp Genetics (formerly Invitae), Labcorp
Classification: Uncertain significance for Capillary malformation-arteriovenous malformation syndrome. Last evaluated: 2025-10-13. Review status: criteria provided, single submitter. Criteria: Invitae Variant Classification Sherloc (09022015). Collection method: clinical testing. Allele origin: germline.
Comment: This sequence change replaces valine, which is neutral and non-polar, with leucine, which is neutral and non-polar, at codon 1003 of the RASA1 protein (p.Val1003Leu). This variant is not present in population databases (gnomAD no frequency). This variant has not been reported in the literature in individuals affected with RASA1-related conditions. ClinVar contains an entry for this variant (Variation ID: 1351956). An algorithm developed to predict the effect of missense changes on protein structure and function (PolyPhen-2) suggests that this variant is likely to be tolerated. In summary, the available evidence is currently insufficient to determine the role of this variant in disease. Therefore, it has been classified as a Variant of Uncertain Significance.